The following is an entry in ClinVar:

NM_001903.5(CTNNA1):c.990T>C (p.Arg330=)

Gene: CTNNA1 (catenin alpha 1; plus strand). Cytogenetic location: 5q31.2.
Variant type: single nucleotide variant.
Coding change: c.990T>C on transcript NM_001903.5 (MANE Select); coding-DNA position 990, T replaced by C.
Protein change: p.Arg330=; no amino-acid change (arginine 330 retained).
Molecular consequence: synonymous variant.
Genome position (GRCh38, 1-based): chr5:138,827,646, T>C. VCF-style: chr5-138827646-T-C. GRCh37 (hg19) VCF-style: chr5-138163335-T-C.
Other names: c.990T>C, p.Arg330= (NM_001290307.3, NM_001323982.2, NM_001323983.1 and 3 more transcripts); c.681T>C, p.Arg227= (NM_001290309.3); c.621T>C, p.Arg207= (NM_001290310.3).
Identifiers: ClinVar variation 1768584 (VCV001768584.8), dbSNP rs2532447520, ClinGen allele CA446595491.

ClinVar aggregate classification (germline): Benign/Likely benign. Review status: criteria provided, multiple submitters, no conflicts (2 of 4 stars). 3 submissions from 3 submitters: Benign (1); Likely benign (2). Last evaluated 2025-11-18.

Conditions:
Hereditary diffuse gastric adenocarcinoma (HDGC). Also called: DIFFUSE GASTRIC AND LOBULAR BREAST CANCER SYNDROME. Identifiers: Orphanet 26106, MedGen C1708349, MONDO:0007648, OMIM 137215.
Hereditary cancer-predisposing syndrome. Also called: Tumor predisposition; Neoplastic Syndromes, Hereditary; Hereditary Cancer Syndrome; Hereditary neoplastic syndrome. Identifiers: Orphanet 140162, MedGen C0027672, MeSH D009386, MONDO:0015356.

Submissions (3):

Labcorp Genetics (formerly Invitae), Labcorp
Classification: Likely benign. Last evaluated: 2025-11-18. Review status: criteria provided, single submitter. Criteria: Invitae Variant Classification Sherloc (09022015). Collection method: clinical testing. Allele origin: germline.

Myriad Genetics, Inc.
Classification: Benign for Hereditary diffuse gastric adenocarcinoma. Last evaluated: 2024-10-10. Review status: criteria provided, single submitter. Criteria: Myriad Autosomal Dominant, Autosomal Recessive and X-Linked Classification Criteria (2023). Collection method: clinical testing. Allele origin: unknown.
Comment: This variant is considered benign. This variant is a silent/synonymous amino acid change and it is not expected to impact splicing.

Ambry Genetics
Classification: Likely benign for Hereditary cancer-predisposing syndrome. Last evaluated: 2020-03-24. Review status: criteria provided, single submitter. Criteria: Ambry Variant Classification Scheme 2023. Collection method: clinical testing. Allele origin: germline.